The following is an entry in ClinVar:

ClinVar aggregate classification (germline): Likely pathogenic (1 of 4 stars; one submission).

Conditions:
Primary ciliary dyskinesia 3. Identifiers: Orphanet 244, MedGen C1837618, MONDO:0012085, OMIM 608644.

Submission:

First Genomix Gene Laboratory, Genetic Diagnostics Department
Classification: Likely pathogenic for Primary ciliary dyskinesia 3. Last evaluated: 2025-01-28. Review status: criteria provided, single submitter. Criteria: ACMG Guidelines, 2015. Collection method: clinical testing. Allele origin: germline. Inheritance: Autosomal recessive inheritance. Affected: no. Observed: 1 variant allele.

NM_001369.3(DNAH5):c.13130_13131del (p.Lys4377fs)

Gene: DNAH5 (dynein axonemal heavy chain 5; minus strand). Cytogenetic location: 5p15.2.
Variant type: Deletion.
Coding change: c.13130_13131del on transcript NM_001369.3 (MANE Select); coding-DNA positions 13130 to 13131, 2 bases deleted (AA; older notation c.13130_13131delAA).
Protein change: p.Lys4377fs; shifts the reading frame from lysine 4377.
Molecular consequence: frameshift variant.
Genome position (GRCh38, 1-based): chr5:13,708,330-13,708,331, TT deleted on the plus strand (AA on the coding strand, the reverse complement: DNAH5 is on the minus strand); deleting any 2 consecutive bases within chr5:13,708,330-13,708,333 gives the same sequence; the c. name uses the placement nearest the transcript's 3' end. VCF-style (leftmost placement, unchanged base first): chr5-13708329-CTT-C. GRCh37 (hg19) VCF-style: chr5-13708438-CTT-C.
Other names: c.13130_13131delAA (NM_001369.3); short protein forms K4377fs.
Identifiers: ClinVar variation 4845716 (VCV004845716.1).